The following is an entry in ClinVar:

ClinVar aggregate classification (germline): Benign. Review status: criteria provided, multiple submitters, no conflicts (2 of 4 stars). 2 submissions from 2 submitters: Benign (2). Last evaluated 2018-06-14.

Allele frequency attached by ClinVar (database versions not stated): gnomAD 0.02838 and 0.03008; TOPMed 0.03204; 1000 Genomes Project 0.03395; 1000 Genomes Project 30x 0.03513.
gnomAD v4.1: 7,456 of 1,272,660 alleles (0.59%); highest among the groups gnomAD compares: African/African-American, 9.8%; 328 homozygotes.

Submissions (2):

GeneDx
Classification: Benign. Last evaluated: 2018-06-14. Review status: criteria provided, single submitter. Criteria: GeneDx Variant Classification (06012015). Collection method: clinical testing. Allele origin: germline. Affected: yes.
Comment: This variant is considered likely benign or benign based on one or more of the following criteria: it is a conservative change, it occurs at a poorly conserved position in the protein, it is predicted to be benign by multiple in silico algorithms, and/or has population frequency not consistent with disease.

Breakthrough Genomics
Classification: Benign. Review status: criteria provided, single submitter. Criteria: ACMG Guidelines, 2015. Collection method: not provided. Allele origin: germline. Inheritance: Autosomal dominant inheritance. Affected: yes.

NM_005097.4(LGI1):c.674-80G>T

Gene: LGI1 (leucine rich glioma inactivated 1; plus strand). Cytogenetic location: 10q23.33.
Variant type: single nucleotide variant.
Coding change: c.674-80G>T on transcript NM_005097.4 (MANE Select); 80 bases into the intron before coding-DNA position 674, G replaced by T.
Molecular consequence: intron variant.
Genome position (GRCh38, 1-based): chr10:93,793,106, G>T. VCF-style: chr10-93793106-G-T. GRCh37 (hg19) VCF-style: chr10-95552863-G-T.
Other names: c.674-80G>T (NM_001308275.2); c.530-80G>T (NM_001308276.2).
Identifiers: ClinVar variation 673178 (VCV000673178.2), dbSNP rs79286093, ClinGen allele CA211583621.
Genomic context (GRCh38, chr10:93,793,106, plus strand): 5'-TTGACAATGCTTCATGTGTTTAAAAGTAAAATGGCCATTTTACTATTCTCTGAAATAAAT[G>T]TATTTCTTGTGAATATTTAAGATCTAGCCAAGGAAAGAGGTATTAGCTCACAGTTACTTA-3'